The following is an entry in ClinVar:

ClinVar aggregate classification (germline): Uncertain significance (1 of 4 stars; one submission).

Submission:

GeneDx
Classification: Uncertain significance. Last evaluated: 2024-10-27. Review status: criteria provided, single submitter. Criteria: GeneDx Variant Classification Process June 2021. Collection method: clinical testing. Allele origin: germline. Affected: yes.
Comment: Not observed at significant frequency in large population cohorts (gnomAD); In silico analysis supports a deleterious effect on splicing; Has not been previously published as pathogenic or benign to our knowledge

NM_144498.4(OSBPL2):c.393G>A (p.Gln131=)

Gene: OSBPL2 (oxysterol binding protein like 2; plus strand). Cytogenetic location: 20q13.33.
Variant type: single nucleotide variant.
Coding change: c.393G>A on transcript NM_144498.4 (MANE Select); coding-DNA position 393, G replaced by A.
Protein change: p.Gln131=; no amino-acid change (glutamine 131 retained).
Molecular consequence: synonymous variant.
Genome position (GRCh38, 1-based): chr20:62,272,259, G>A. VCF-style: chr20-62272259-G-A. GRCh37 (hg19) VCF-style: chr20-60847315-G-A.
Other names: c.117G>A, p.Gln39= (NM_001278649.3, NM_001363878.2); c.357G>A, p.Gln119= (NM_014835.5).
Identifiers: ClinVar variation 3893404 (VCV003893404.1).